The following is an entry in ClinVar:

NM_016247.4(IMPG2):c.*1737T>C

Gene: IMPG2 (interphotoreceptor matrix proteoglycan 2; minus strand). Cytogenetic location: 3q12.3.
Variant type: single nucleotide variant.
Coding change: c.*1737T>C on transcript NM_016247.4 (MANE Select); 1737 bases downstream of the stop codon, T replaced by C.
Molecular consequence: 3 prime UTR variant.
Genome position (GRCh38, 1-based): chr3:101,225,232, A>G on the plus strand (T>C on the coding strand, the complement: IMPG2 is on the minus strand). VCF-style: chr3-101225232-A-G. GRCh37 (hg19) VCF-style: chr3-100944076-A-G.
Identifiers: ClinVar variation 342299 (VCV000342299.6), dbSNP rs6796058, ClinGen allele CA10616721.

ClinVar aggregate classification (germline): Benign. Review status: criteria provided, multiple submitters, no conflicts (2 of 4 stars). 2 submissions from 2 submitters: Benign (2). Last evaluated 2018-01-13.

Conditions:
Retinitis pigmentosa (RP). Identifiers: Orphanet 791, MedGen C0035334, MeSH D012174, MONDO:0019200, OMIM 268000. Inheritance: Autosomal dominant, autosomal recessive and X linked inheritance.

Allele frequency attached by ClinVar (database versions not stated): gnomAD 0.12719 and 0.12729; TOPMed 0.12829; 1000 Genomes Project 30x 0.13304; 1000 Genomes Project 0.13578.

Submissions (2):

Illumina Laboratory Services, Illumina
Classification: Benign for Retinitis pigmentosa. Last evaluated: 2018-01-13. Review status: criteria provided, single submitter. Criteria: ICSL Variant Classification Criteria 13 December 2019. Collection method: clinical testing. Allele origin: germline.
Comment: This variant was observed in the ICSL laboratory as part of a predisposition screen in an ostensibly healthy population. It had not been previously curated by ICSL or reported in the Human Gene Mutation Database (HGMD: prior to June 1st, 2018), and was therefore a candidate for classification through an automated scoring system. Utilizing variant allele frequency, disease prevalence and penetrance estimates, and inheritance mode, an automated score was calculated to assess if this variant is too frequent to cause the disease. Based on the score and internal cut-off values, a variant classified as benign is not then subjected to further curation. The score for this variant resulted in a classification of benign for this disease.

Breakthrough Genomics
Classification: Benign. Review status: criteria provided, single submitter. Criteria: ACMG Guidelines, 2015. Collection method: not provided. Allele origin: germline. Inheritance: Autosomal recessive inheritance. Affected: yes.